The following is an entry in ClinVar:

NM_001377.3(DYNC2H1):c.11437dup (p.Val3813fs)

Gene: DYNC2H1 (dynein cytoplasmic 2 heavy chain 1; plus strand). Cytogenetic location: 11q22.3.
Variant type: Duplication.
Coding change: c.11437dup on transcript NM_001377.3 (MANE Select); coding-DNA position 11437, one base duplicated (G; older notation c.11437dupG).
Protein change: p.Val3813fs; shifts the reading frame from valine 3813.
Molecular consequence: frameshift variant.
Genome position (GRCh38, 1-based): chr11:103,307,775, G duplicated. VCF-style (leftmost placement, unchanged base first): chr11-103307774-A-AG. GRCh37 (hg19) VCF-style: chr11-103178503-A-AG.
Other names: c.11458dup, p.Val3820fs (NM_001080463.2); short protein forms V3813fs, V3820fs.
Identifiers: ClinVar variation 5014771 (VCV005014771.1).

ClinVar aggregate classification (germline): Pathogenic (1 of 4 stars; one submission).

Conditions:
Asphyxiating thoracic dystrophy 3. Also called: SHORT-RIB THORACIC DYSPLASIA 3 WITH OR WITHOUT POLYDACTYLY; POLYDACTYLY WITH NEONATAL CHONDRODYSTROPHY, TYPE I; SHORT-RIB THORACIC DYSPLASIA 3/6 WITH POLYDACTYLY, DIGENIC; Short rib polydactyly syndrome 2B; Saldino-Noonan Syndrome. Identifiers: Orphanet 474, Orphanet 93269, Orphanet 93270, Orphanet 93271, MedGen C0036069, MONDO:0013127, OMIM 613091.

Submission:

Myriad Genetics, Inc.
Classification: Pathogenic for Asphyxiating thoracic dystrophy 3. Last evaluated: 2025-07-24. Review status: criteria provided, single submitter. Criteria: Myriad Autosomal Dominant, Autosomal Recessive and X-Linked Classification Criteria (2023). Collection method: clinical testing. Allele origin: unknown.
Comment: NM_001377.2(DYNC2H1):c.11437dupG(V3813Gfs*19) is expected to be pathogenic in the context of DYNC2H1-related disorders. This variant is predicted to lead to an abnormal or absent protein product due to the creation of a premature termination codon in DYNC2H1, a gene where loss-of-function variants are known to be pathogenic. Please note: this variant was assessed in the context of healthy population screening.